The following is an entry in ClinVar:

ClinVar aggregate classification (germline): Uncertain significance. Review status: criteria provided, multiple submitters, no conflicts (2 of 4 stars). 3 submissions from 3 submitters: Uncertain significance (3). Last evaluated 2025-01-29.

Conditions:
Cardiovascular phenotype. Identifiers: MedGen CN230736.
Hereditary cancer-predisposing syndrome. Also called: Hereditary neoplastic syndrome; Neoplastic Syndromes, Hereditary; Tumor predisposition; Hereditary Cancer Syndrome. Identifiers: Orphanet 140162, MedGen C0027672, MeSH D009386, MONDO:0015356.
Neurofibromatosis, type 1 (NF1). Also called: VON RECKLINGHAUSEN DISEASE; Peripheral type neurofibromatosis; NEUROFIBROMATOSIS, TYPE I, SOMATIC; Neurofibromatosis, type I. Identifiers: Orphanet 636, MedGen C0027831, MONDO:0018975, OMIM 162200. Disease mechanism: loss of function.

Allele frequency attached by ClinVar (database versions not stated): gnomAD exomes below 0.00001.
gnomAD v4.1: 1 of 1,611,862 alleles (0.000062%); highest among the groups gnomAD compares: Non-Finnish European, 0.000085%; no homozygotes.

Submissions (3):

Ambry Genetics
Classification: Uncertain significance for Cardiovascular phenotype; Hereditary cancer-predisposing syndrome. Last evaluated: 2025-01-29. Review status: criteria provided, single submitter. Criteria: Ambry Variant Classification Scheme 2023. Collection method: clinical testing. Allele origin: germline.
Comment: The p.T2114P variant (also known as c.6340A>C), located in coding exon 41 of the NF1 gene, results from an A to C substitution at nucleotide position 6340. The threonine at codon 2114 is replaced by proline, an amino acid with highly similar properties. This amino acid position is highly conserved in available vertebrate species. In addition, this alteration is predicted to be deleterious by in silico analysis. Based on the available evidence, the clinical significance of this variant remains unclear.

Labcorp Genetics (formerly Invitae), Labcorp
Classification: Uncertain significance for Neurofibromatosis, type 1. Last evaluated: 2023-08-14. Review status: criteria provided, single submitter. Criteria: Invitae Variant Classification Sherloc (09022015). Collection method: clinical testing. Allele origin: germline.
Comment: This sequence change replaces threonine, which is neutral and polar, with proline, which is neutral and non-polar, at codon 2114 of the NF1 protein (p.Thr2114Pro). In summary, the available evidence is currently insufficient to determine the role of this variant in disease. Therefore, it has been classified as a Variant of Uncertain Significance. This variant is not present in population databases (gnomAD no frequency). This variant has not been reported in the literature in individuals affected with NF1-related conditions. ClinVar contains an entry for this variant (Variation ID: 484067). Advanced modeling of protein sequence and biophysical properties (such as structural, functional, and spatial information, amino acid conservation, physicochemical variation, residue mobility, and thermodynamic stability) performed at Invitae indicates that this missense variant is expected to disrupt NF1 protein function.

Genome-Nilou Lab
Classification: Uncertain significance for Neurofibromatosis, type 1. Last evaluated: 2022-03-15. Review status: criteria provided, single submitter. Criteria: ACMG Guidelines, 2015. Collection method: clinical testing. Allele origin: germline. Affected: no.

NM_001042492.3(NF1):c.6403A>C (p.Thr2135Pro)

Gene: NF1 (neurofibromin 1; plus strand). Cytogenetic location: 17q11.2.
Variant type: single nucleotide variant.
Coding change: c.6403A>C on transcript NM_001042492.3 (MANE Select); coding-DNA position 6403, A replaced by C.
Protein change: p.Thr2135Pro; replaces threonine 2135 with proline.
Molecular consequence: missense variant.
Genome position (GRCh38, 1-based): chr17:31,336,890, A>C. VCF-style: chr17-31336890-A-C. GRCh37 (hg19) VCF-style: chr17-29663908-A-C.
Other names: c.6340A>C, p.Thr2114Pro (NM_000267.4); short protein forms T2135P, T2114P.
Identifiers: ClinVar variation 484067 (VCV000484067.14), dbSNP rs1555534767, ClinGen allele CA399012914.
Genomic context (GRCh38, chr17:31,336,890, plus strand): 5'-CCGCTCTCCCTTAGAGCTTCCACACATGGACTGGTCATTAATATCATTCACTCTCTGTGT[A>C]CTTGTTCACAGCTTCATTTTAGTGGTAAGTTCTAGGAAAGGAATTTGTGTTTACCAGTTC-3'
Protein context (NP_001035957.1, residues 2125-2145): LVINIIHSLC[Thr2135Pro]CSQLHFSEET